The following is an entry in ClinVar:

ClinVar aggregate classification (germline): Uncertain significance. Review status: criteria provided, multiple submitters, no conflicts (2 of 4 stars). 2 submissions from 2 submitters: Uncertain significance (2). Last evaluated 2024-06-28.

Conditions:
Cardiomyopathy (CMYO). Also called: Cardiomyopathies. Identifiers: Orphanet 167848, MedGen C0878544, MONDO:0004994, HP:0001638. Inheritance: Various modes of inheritance.
Hypertrophic cardiomyopathy. Also called: HYPERTROPHIC MYOCARDIOPATHY. Identifiers: Orphanet 217569, MedGen C0007194, MeSH D002312, MONDO:0005045, HP:0001639.

Allele frequency attached by ClinVar (database versions not stated): gnomAD exomes below 0.00001; TOPMed below 0.00001; ExAC 0.00001.
gnomAD v4.1: 1 of 1,614,100 alleles (0.000062%); highest among the groups gnomAD compares: South Asian, 0.0011%; no homozygotes.

Submissions (2):

Labcorp Genetics (formerly Invitae), Labcorp
Classification: Uncertain significance for Hypertrophic cardiomyopathy. Last evaluated: 2024-06-28. Review status: criteria provided, single submitter. Criteria: Invitae Variant Classification Sherloc (09022015). Collection method: clinical testing. Allele origin: germline.
Comment: This sequence change replaces glutamic acid, which is acidic and polar, with lysine, which is basic and polar, at codon 1014 of the MYH7 protein (p.Glu1014Lys). This variant is present in population databases (rs777675103, gnomAD 0.003%). This variant has not been reported in the literature in individuals affected with MYH7-related conditions. Advanced modeling of protein sequence and biophysical properties (such as structural, functional, and spatial information, amino acid conservation, physicochemical variation, residue mobility, and thermodynamic stability) performed at Invitae indicates that this missense variant is expected to disrupt MYH7 protein function with a positive predictive value of 95%. In summary, the available evidence is currently insufficient to determine the role of this variant in disease. Therefore, it has been classified as a Variant of Uncertain Significance.

All of Us Research Program, National Institutes of Health
Classification: Uncertain significance for Cardiomyopathy. Last evaluated: 2024-05-14. Review status: criteria provided, single submitter. Criteria: ACMG Guidelines, 2015. Collection method: clinical testing. Allele origin: germline. Inheritance: Autosomal dominant inheritance. Observed: 2 variant alleles, 2 heterozygotes.
Comment: This missense variant replaces glutamic acid with lysine at codon 1014 of the MYH7 protein. Computational prediction suggests that this variant may have deleterious impact on protein structure and function (internally defined REVEL score threshold >= 0.7, PMID: 27666373). To our knowledge, functional studies have not been reported for this variant. This variant has not been reported in individuals affected with MYH7-related disorders in the literature. This variant has been identified in 1/251494 chromosomes in the general population by the Genome Aggregation Database (gnomAD). The available evidence is insufficient to determine the role of this variant in disease conclusively. Therefore, this variant is classified as a Variant of Uncertain Significance.

This study involves interpretation of variants in research participants for the purpose of population health screening. Participant phenotype was not available at the time of variant classification. Additional details can be found in publication PMID: 35346344, PMCID: PMC8962531

NM_000257.4(MYH7):c.3040G>A (p.Glu1014Lys)

Gene: MYH7 (myosin heavy chain 7; minus strand). Cytogenetic location: 14q11.2.
Variant type: single nucleotide variant.
Coding change: c.3040G>A on transcript NM_000257.4 (MANE Select); coding-DNA position 3040, G replaced by A.
Protein change: p.Glu1014Lys; replaces glutamic acid 1014 with lysine.
Molecular consequence: missense variant.
Genome position (GRCh38, 1-based): chr14:23,423,606, C>T on the plus strand (G>A on the coding strand, the complement: MYH7 is on the minus strand). VCF-style: chr14-23423606-C-T. GRCh37 (hg19) VCF-style: chr14-23892815-C-T.
Other names: c.3040G>A, p.Glu1014Lys (NM_001407004.1); short protein forms E1014K.
Identifiers: ClinVar variation 3072205 (VCV003072205.4), dbSNP rs777675103, ClinGen allele CA035343.